The following is an entry in ClinVar:

ClinVar aggregate classification (germline): Likely benign. Review status: criteria provided, multiple submitters, no conflicts (2 of 4 stars). 5 submissions from 5 submitters: Likely benign (5). Last evaluated 2025-07-10.

Conditions:
Familial thoracic aortic aneurysm and aortic dissection (TAAD). Also called: Thoracic aortic aneurysms and dissections. Identifiers: Orphanet 91387, MedGen C4707243, MONDO:0019625.
Aneurysm-osteoarthritis syndrome. Also called: SMAD3-Related Loeys-Dietz Syndrome; ANEURYSMS-OSTEOARTHRITIS SYNDROME; Loeys-Dietz syndrome, type 1C; LOEYS-DIETZ SYNDROME WITH OSTEOARTHRITIS. Identifiers: Orphanet 284984, MedGen C3151087, MONDO:0013426, OMIM 613795.

Allele frequency attached by ClinVar (database versions not stated): ExAC 0.00002; gnomAD 0.00004 and 0.00005; gnomAD exomes 0.00004; TOPMed 0.00004; 1000 Genomes Project 30x 0.00016; 1000 Genomes Project 0.00020.
gnomAD v4.1: 74 of 1,613,186 alleles (0.0046%); highest among the groups gnomAD compares: Admixed American, 0.005%; no homozygotes.

Submissions (5):

Labcorp Genetics (formerly Invitae), Labcorp
Classification: Likely benign for Familial thoracic aortic aneurysm and aortic dissection. Last evaluated: 2025-07-10. Review status: criteria provided, single submitter. Criteria: Invitae Variant Classification Sherloc (09022015). Collection method: clinical testing. Allele origin: germline.

All of Us Research Program, National Institutes of Health
Classification: Likely benign for Aneurysm-osteoarthritis syndrome. Last evaluated: 2024-01-03. Review status: criteria provided, single submitter. Criteria: ACMG Guidelines, 2015. Collection method: clinical testing. Allele origin: germline. Inheritance: Autosomal dominant inheritance. Observed: 8 variant alleles, 8 heterozygotes.
Comment: This study involves interpretation of variants in research participants for the purpose of population health screening. Participant phenotype was not available at the time of variant classification. Additional details can be found in publication PMID: 35346344, PMCID: PMC8962531

Blueprint Genetics
Classification: Likely benign. Last evaluated: 2023-09-11. Review status: criteria provided, single submitter. Criteria: ACMG Guidelines, 2015. Collection method: clinical testing. Allele origin: germline.

GeneDx
Classification: Likely benign. Last evaluated: 2021-05-05. Review status: criteria provided, single submitter. Criteria: GeneDx Variant Classification Process June 2021. Collection method: clinical testing. Allele origin: germline. Affected: yes.

Color Diagnostics, LLC DBA Color Health
Classification: Likely benign for Familial thoracic aortic aneurysm and aortic dissection. Last evaluated: 2019-04-15. Review status: criteria provided, single submitter. Criteria: ACMG Guidelines, 2015. Collection method: clinical testing. Allele origin: germline.

NM_005902.4(SMAD3):c.1155-11A>G

Gene: SMAD3 (SMAD family member 3; plus strand). Cytogenetic location: 15q22.33.
Variant type: single nucleotide variant.
Coding change: c.1155-11A>G on transcript NM_005902.4 (MANE Select); 11 bases into the intron before coding-DNA position 1155, A replaced by G.
Molecular consequence: intron variant.
Genome position (GRCh38, 1-based): chr15:67,190,402, A>G. VCF-style: chr15-67190402-A-G. GRCh37 (hg19) VCF-style: chr15-67482740-A-G.
Other names: c.840-11A>G (NM_001145102.2); c.1023-11A>G (NM_001145103.2); c.570-11A>G (NM_001145104.2).
Identifiers: ClinVar variation 923499 (VCV000923499.15), dbSNP rs184839478, ClinGen allele CA061674.